The following is an entry in ClinVar:

ClinVar aggregate classification (germline): Uncertain significance (1 of 4 stars; one submission).

Conditions:
Cerebral creatine deficiency syndrome. Also called: Creatine deficiency syndromes. Identifiers: Orphanet 79172, MedGen C5244016, MONDO:0000456.

Allele frequency attached by ClinVar (database versions not stated): TOPMed below 0.00001; ExAC 0.00009.
gnomAD v4.1: 17 of 1,559,868 alleles (0.0011%); highest among the groups gnomAD compares: East Asian, 0.0024%; no homozygotes.

Submission:

Labcorp Genetics (formerly Invitae), Labcorp
Classification: Uncertain significance for Cerebral creatine deficiency syndrome. Last evaluated: 2022-10-16. Review status: criteria provided, single submitter. Criteria: Invitae Variant Classification Sherloc (09022015). Collection method: clinical testing. Allele origin: germline.
Comment: This sequence change falls in intron 2 of the GAMT gene. It does not directly change the encoded amino acid sequence of the GAMT protein. It affects a nucleotide within the consensus splice site. The frequency data for this variant in the population databases is considered unreliable, as metrics indicate poor data quality at this position in the gnomAD database. This variant has not been reported in the literature in individuals affected with GAMT-related conditions. ClinVar contains an entry for this variant (Variation ID: 1405847). Variants that disrupt the consensus splice site are a relatively common cause of aberrant splicing (PMID: 17576681, 9536098). Algorithms developed to predict the effect of sequence changes on RNA splicing suggest that this variant is not likely to affect RNA splicing. In summary, the available evidence is currently insufficient to determine the role of this variant in disease. Therefore, it has been classified as a Variant of Uncertain Significance.

Literature cited by the submitters: PubMed 17576681; PubMed 9536098.

NM_000156.6(GAMT):c.327+4C>T

Gene: GAMT (guanidinoacetate N-methyltransferase; minus strand). Cytogenetic location: 19p13.3.
Variant type: single nucleotide variant.
Coding change: c.327+4C>T on transcript NM_000156.6 (MANE Select); 4 bases into the intron after coding-DNA position 327, C replaced by T.
Molecular consequence: intron variant.
Genome position (GRCh38, 1-based): chr19:1,399,789, G>A on the plus strand (C>T on the coding strand, the complement: GAMT is on the minus strand). VCF-style: chr19-1399789-G-A. GRCh37 (hg19) VCF-style: chr19-1399788-G-A.
Other names: c.327+4C>T (NM_138924.3).
Identifiers: ClinVar variation 1405847 (VCV001405847.3), dbSNP rs767824933, ClinGen allele CA9043738.